The following is an entry in ClinVar:

NM_001099922.3(ALG13):c.2582C>T (p.Ala861Val)

Gene: ALG13 (ALG13 UDP-N-acetylglucosaminyltransferase subunit; plus strand). Cytogenetic location: Xq23.
Variant type: single nucleotide variant.
Coding change: c.2582C>T on transcript NM_001099922.3 (MANE Select); coding-DNA position 2582, C replaced by T.
Protein change: p.Ala861Val; replaces alanine 861 with valine.
Molecular consequence: missense variant. On other transcripts: non-coding transcript variant (1).
Genome position (GRCh38, 1-based): chrX:111,736,766, C>T. VCF-style: chrX-111736766-C-T. GRCh37 (hg19) VCF-style: chrX-110979994-C-T.
Other names: c.2270C>T, p.Ala757Val (NM_001257230.2, NM_001257234.2, NM_001257237.2); c.2348C>T, p.Ala783Val (NM_001257231.2); c.2582C>T, p.Ala861Val (NM_001324292.2); c.2096C>T, p.Ala699Val (NM_001324293.1); short protein forms A699V, A757V, A783V, A861V.
Identifiers: ClinVar variation 1924250 (VCV001924250.5), dbSNP rs1202856579, ClinGen allele CA414254411.

ClinVar aggregate classification (germline): Uncertain significance (1 of 4 stars; one submission).

Conditions:
Developmental and epileptic encephalopathy, 36 (DEE36). Also called: Congenital disorder of glycosylation, type Is; Epileptic encephalopathy, early infantile, 36; ALG13-CDG. Identifiers: Orphanet 324422, MedGen C4317295, MONDO:0010472, OMIM 300884.

Allele frequency attached by ClinVar (database versions not stated): TOPMed 0.00002; gnomAD 0.00003.

Submission:

Labcorp Genetics (formerly Invitae), Labcorp
Classification: Uncertain significance for Developmental and epileptic encephalopathy, 36. Last evaluated: 2024-02-01. Review status: criteria provided, single submitter. Criteria: Invitae Variant Classification Sherloc (09022015). Collection method: clinical testing. Allele origin: germline.
Comment: This sequence change replaces alanine, which is neutral and non-polar, with valine, which is neutral and non-polar, at codon 861 of the ALG13 protein (p.Ala861Val). This variant is present in population databases (no rsID available, gnomAD 0.008%), including at least one homozygous and/or hemizygous individual. This variant has not been reported in the literature in individuals affected with ALG13-related conditions. ClinVar contains an entry for this variant (Variation ID: 1924250). Advanced modeling of protein sequence and biophysical properties (such as structural, functional, and spatial information, amino acid conservation, physicochemical variation, residue mobility, and thermodynamic stability) performed at Invitae indicates that this missense variant is not expected to disrupt ALG13 protein function with a negative predictive value of 80%. In summary, the available evidence is currently insufficient to determine the role of this variant in disease. Therefore, it has been classified as a Variant of Uncertain Significance.